The following is an entry in ClinVar:

NM_145166.4(ZBTB47):c.1193G>A (p.Arg398Gln)

Gene: ZBTB47 (zinc finger and BTB domain containing 47; plus strand). Cytogenetic location: 3p22.1.
Variant type: single nucleotide variant.
Coding change: c.1193G>A on transcript NM_145166.4 (MANE Select); coding-DNA position 1193, G replaced by A.
Protein change: p.Arg398Gln; replaces arginine 398 with glutamine.
Molecular consequence: missense variant.
Genome position (GRCh38, 1-based): chr3:42,659,548, G>A. VCF-style: chr3-42659548-G-A. GRCh37 (hg19) VCF-style: chr3-42701040-G-A.
Other names: c.1193G>A (NM_145166.3); c.1277G>A, p.Arg426Gln (NM_001410746.1); short protein forms R398Q, R426Q.
Identifiers: ClinVar variation 4872172 (VCV004872172.3).

ClinVar aggregate classification (germline): Likely benign. Review status: criteria provided, multiple submitters, no conflicts (2 of 4 stars). 2 submissions from 2 submitters: Likely benign (2). Last evaluated 2026-05-01.

Conditions:
ZBTB47-related condition.

gnomAD v4.1: 2,052 of 1,575,354 alleles (0.13%); highest among the groups gnomAD compares: Non-Finnish European, 0.16%; 4 homozygotes.

Submissions (2):

CeGaT Center for Human Genetics Tuebingen
Classification: Likely benign. Last evaluated: 2026-05-01. Review status: criteria provided, single submitter. Criteria: CeGaT Center For Human Genetics Tuebingen Variant Classification Criteria Version 2. Collection method: clinical testing. Allele origin: germline. Affected: yes. Observed: 1 variant allele.
Comment: ZBTB47: BP4

PreventionGenetics, part of Exact Sciences
Classification: Likely benign for ZBTB47-related condition. Last evaluated: 2024-11-21. Review status: criteria provided, single submitter. Criteria: ACMG Guidelines, 2015. Collection method: clinical testing. Allele origin: germline.
Comment: This variant is classified as likely benign based on ACMG/AMP sequence variant interpretation guidelines (Richards et al. 2015 PMID: 25741868, with internal and published modifications).